The following is an entry in ClinVar:

NM_014797.3(ZBTB24):c.2066C>T (p.Pro689Leu)

Genes: MICAL1 (microtubule associated monooxygenase, calponin and LIM domain containing 1; minus strand), ZBTB24 (zinc finger and BTB domain containing 24; minus strand). Cytogenetic location: 6q21.
Variant type: single nucleotide variant.
Coding change: c.2066C>T on transcript NM_014797.3 (MANE Select); coding-DNA position 2066, C replaced by T.
Protein change: p.Pro689Leu; replaces proline 689 with leucine.
Molecular consequence: missense variant. On other transcripts: 5 prime UTR variant (1).
Genome position (GRCh38, 1-based): chr6:109,465,879, G>A on the plus strand (C>T on the coding strand, the complement: ZBTB24 is on the minus strand). VCF-style: chr6-109465879-G-A. GRCh37 (hg19) VCF-style: chr6-109787082-G-A.
Other names: c.-202C>T (NM_001286613.2); short protein forms P689L.
Identifiers: ClinVar variation 2869860 (VCV002869860.2), dbSNP rs2482850192, ClinGen allele CA365193378.

ClinVar aggregate classification (germline): Uncertain significance (1 of 4 stars; one submission).

Conditions:
Immunodeficiency-centromeric instability-facial anomalies syndrome 2 (ICF2). Identifiers: Orphanet 2268, MedGen C3279748, MONDO:0013553, OMIM 614069.

Allele frequency attached by ClinVar (database versions not stated): gnomAD exomes below 0.00001.
gnomAD v4.1: 1 of 1,614,184 alleles (0.000062%); highest among the groups gnomAD compares: Non-Finnish European, 0.000085%; no homozygotes.

Submission:

Labcorp Genetics (formerly Invitae), Labcorp
Classification: Uncertain significance for Immunodeficiency-centromeric instability-facial anomalies syndrome 2. Last evaluated: 2023-12-22. Review status: criteria provided, single submitter. Criteria: Invitae Variant Classification Sherloc (09022015). Collection method: clinical testing. Allele origin: germline.
Comment: This sequence change replaces proline, which is neutral and non-polar, with leucine, which is neutral and non-polar, at codon 689 of the ZBTB24 protein (p.Pro689Leu). This variant is not present in population databases (gnomAD no frequency). This variant has not been reported in the literature in individuals affected with ZBTB24-related conditions. An algorithm developed to predict the effect of missense changes on protein structure and function (PolyPhen-2) suggests that this variant is likely to be disruptive. In summary, the available evidence is currently insufficient to determine the role of this variant in disease. Therefore, it has been classified as a Variant of Uncertain Significance.